The following is an entry in ClinVar:

NM_006642.5(SDCCAG8):c.1886G>T (p.Arg629Met)

Gene: SDCCAG8 (SHH signaling and ciliogenesis regulator SDCCAG8; plus strand). Cytogenetic location: 1q43.
Variant type: single nucleotide variant.
Coding change: c.1886G>T on transcript NM_006642.5 (MANE Select); coding-DNA position 1886, G replaced by T.
Protein change: p.Arg629Met; replaces arginine 629 with methionine.
Molecular consequence: missense variant.
Genome position (GRCh38, 1-based): chr1:243,426,459, G>T. VCF-style: chr1-243426459-G-T. GRCh37 (hg19) VCF-style: chr1-243589761-G-T.
Other names: c.983G>T, p.Arg328Met (NM_001350246.2, NM_001350247.2, NM_001350251.2); c.1982G>T, p.Arg661Met (NM_001350248.2); c.1592G>T, p.Arg531Met (NM_001350249.2); short protein forms R531M, R629M, R661M, R328M.
Identifiers: ClinVar variation 1525918 (VCV001525918.8), dbSNP rs548855151, ClinGen allele CA345667710.

ClinVar aggregate classification (germline): Uncertain significance (1 of 4 stars; one submission).

Conditions:
Bardet-Biedl syndrome 16 (BBS16). Identifiers: Orphanet 110, MedGen C3889474, MONDO:0014444, OMIM 615993.
Senior-Loken syndrome 7 (SLSN7). Identifiers: Orphanet 3156, MedGen C3150877, MONDO:0013326, OMIM 613615.

gnomAD v4.1: 12 of 1,613,610 alleles (0.00074%); highest among the groups gnomAD compares: African/African-American, 0.0013%; no homozygotes.

Submission:

Labcorp Genetics (formerly Invitae), Labcorp
Classification: Uncertain significance for Bardet-Biedl syndrome 16; Senior-Loken syndrome 7. Last evaluated: 2020-11-06. Review status: criteria provided, single submitter. Criteria: Invitae Variant Classification Sherloc (09022015). Collection method: clinical testing. Allele origin: germline.
Comment: In summary, the available evidence is currently insufficient to determine the role of this variant in disease. Therefore, it has been classified as a Variant of Uncertain Significance. Algorithms developed to predict the effect of missense changes on protein structure and function output the following: SIFT: "Tolerated"; PolyPhen-2: "Benign"; Align-GVGD: "Class C0". The methionine amino acid residue is found in multiple mammalian species, suggesting that this missense change does not adversely affect protein function. These predictions have not been confirmed by published functional studies and their clinical significance is uncertain. This variant has not been reported in the literature in individuals with SDCCAG8-related conditions. This variant is not present in population databases (ExAC no frequency). This sequence change replaces arginine with methionine at codon 629 of the SDCCAG8 protein (p.Arg629Met). The arginine residue is moderately conserved and there is a moderate physicochemical difference between arginine and methionine.